The following is an entry in ClinVar:

NM_052872.4(IL17F):c.182T>A (p.Ile61Asn)

Gene: IL17F (interleukin 17F; minus strand). Cytogenetic location: 6p12.2.
Variant type: single nucleotide variant.
Coding change: c.182T>A on transcript NM_052872.4 (MANE Select); coding-DNA position 182, T replaced by A.
Protein change: p.Ile61Asn; replaces isoleucine 61 with asparagine.
Molecular consequence: missense variant.
Genome position (GRCh38, 1-based): chr6:52,238,802, A>T on the plus strand (T>A on the coding strand, the complement: IL17F is on the minus strand). VCF-style: chr6-52238802-A-T. GRCh37 (hg19) VCF-style: chr6-52103600-A-T.
Other names: short protein forms I61N.
Identifiers: ClinVar variation 2010679 (VCV002010679.4), dbSNP rs2532689574, ClinGen allele CA364445011.

ClinVar aggregate classification (germline): Uncertain significance (1 of 4 stars; one submission).

Conditions:
Candidiasis, familial, 6 (CANDF6). Also called: Candidiasis, familial, 6, autosomal dominant. Identifiers: Orphanet 1334, MedGen C3151405, MONDO:0013503, OMIM 613956.

Submission:

Labcorp Genetics (formerly Invitae), Labcorp
Classification: Uncertain significance for Candidiasis, familial, 6. Last evaluated: 2022-06-25. Review status: criteria provided, single submitter. Criteria: Invitae Variant Classification Sherloc (09022015). Collection method: clinical testing. Allele origin: germline.
Comment: This sequence change replaces isoleucine, which is neutral and non-polar, with asparagine, which is neutral and polar, at codon 61 of the IL17F protein (p.Ile61Asn). This variant is not present in population databases (gnomAD no frequency). This variant has not been reported in the literature in individuals affected with IL17F-related conditions. Algorithms developed to predict the effect of missense changes on protein structure and function are either unavailable or do not agree on the potential impact of this missense change (SIFT: "Deleterious"; PolyPhen-2: "Probably Damaging"; Align-GVGD: "Class C0"). In summary, the available evidence is currently insufficient to determine the role of this variant in disease. Therefore, it has been classified as a Variant of Uncertain Significance.